The following is an entry in ClinVar:

ClinVar aggregate classification (germline): Uncertain significance (1 of 4 stars; one submission).

Conditions:
PLEC-related disorder. Also called: PLEC-related disorders; PLEC-related condition.

Allele frequency attached by ClinVar (database versions not stated): gnomAD 0.00003; TOPMed 0.00002.

Submission:

PreventionGenetics, part of Exact Sciences
Classification: Uncertain significance for PLEC-related condition. Last evaluated: 2026-09-22. Review status: criteria provided, single submitter. Criteria: ACMG Guidelines, 2015. Collection method: clinical testing. Allele origin: germline.
Comment: The PLEC c.65A>C variant is predicted to result in the amino acid substitution p.Glu22Ala. In an alternative transcript (NM_201380) this variant results in a missense variant (p.Glu22Ala). To our knowledge, this variant has not been reported in the literature. This variant is reported in 0.023% of alleles in individuals of African descent in gnomAD. At this time, the clinical significance of this variant is uncertain due to the absence of conclusive functional and genetic evidence.

NM_201378.4(PLEC):c.71-11950A>C

Gene: PLEC (plectin; minus strand). Cytogenetic location: 8q24.3.
Variant type: single nucleotide variant.
Coding change: c.71-11950A>C on transcript NM_201378.4 (MANE Plus Clinical); 11950 bases into the intron before coding-DNA position 71, A replaced by C.
Molecular consequence: intron variant. On other transcripts: missense variant (1).
Genome position (GRCh38, 1-based): chr8:143,950,642, T>G on the plus strand (A>C on the coding strand, the complement: PLEC is on the minus strand). VCF-style: chr8-143950642-T-G. GRCh37 (hg19) VCF-style: chr8-145024810-T-G.
Other names: c.65A>C, p.Glu22Ala (NM_201380.4); c.194-11950A>C (NM_001410941.1, NM_000445.5); c.46+3084A>C (NM_201379.3); short protein forms E22A.
Identifiers: ClinVar variation 2633710 (VCV002633710.2), dbSNP rs1295448128, ClinGen allele CA372599173.